The following is an entry in ClinVar:

ClinVar aggregate classification (germline): Conflicting classifications of pathogenicity. Review status: criteria provided, conflicting classifications (1 of 4 stars). 5 submissions from 5 submitters: Uncertain significance (1); Benign (1); Likely benign (3). Last evaluated 2025-09-26.

Conditions:
PRPF31-related disorder. Also called: PRPF31-related condition.
Retinal dystrophy. Also called: Inherited retinal dystrophy. Identifiers: Orphanet 71862, MedGen C0854723, MeSH D058499, MONDO:0019118, HP:0000556.
Retinitis pigmentosa (RP). Identifiers: Orphanet 791, MedGen C0035334, MeSH D012174, MONDO:0019200, OMIM 268000. Inheritance: Autosomal dominant, autosomal recessive and X linked inheritance.

Allele frequency attached by ClinVar (database versions not stated): gnomAD exomes 0.00006; ExAC 0.00007; TOPMed 0.00008; gnomAD 0.00011 and 0.00018; ESP Exome Variant Server 0.00023; 1000 Genomes Project 30x 0.00031; 1000 Genomes Project 0.00040.
gnomAD v4.1: 378 of 1,614,150 alleles (0.023%); highest among the groups gnomAD compares: East Asian, 0.71%; 4 homozygotes.

Submissions (5):

Labcorp Genetics (formerly Invitae), Labcorp
Classification: Likely benign. Last evaluated: 2025-09-26. Review status: criteria provided, single submitter. Criteria: Invitae Variant Classification Sherloc (09022015). Collection method: clinical testing. Allele origin: germline.

PreventionGenetics, part of Exact Sciences
Classification: Likely benign for PRPF31-related condition. Last evaluated: 2025-02-05. Review status: criteria provided, single submitter. Criteria: ACMG Guidelines, 2015. Collection method: clinical testing. Allele origin: germline.
Comment: This variant is classified as likely benign based on ACMG/AMP sequence variant interpretation guidelines (Richards et al. 2015 PMID: 25741868, with internal and published modifications).

Dept Of Ophthalmology, Nagoya University
Classification: Benign for Retinal dystrophy. Last evaluated: 2023-10-01. Review status: criteria provided, single submitter. Criteria: Submitter's publication. Collection method: research. Allele origin: germline. Affected: yes.

Blueprint Genetics
Classification: Likely benign. Last evaluated: 2022-06-10. Review status: criteria provided, single submitter. Criteria: ACMG Guidelines, 2015. Collection method: clinical testing. Allele origin: germline.

Illumina Laboratory Services, Illumina
Classification: Uncertain significance for Retinitis pigmentosa. Last evaluated: 2018-01-13. Review status: criteria provided, single submitter. Criteria: ICSL Variant Classification Criteria 13 December 2019. Collection method: clinical testing. Allele origin: germline.

NM_015629.4(PRPF31):c.510C>T (p.Thr170=)

Gene: PRPF31 (pre-mRNA processing factor 31; plus strand). Cytogenetic location: 19q13.42.
Variant type: single nucleotide variant.
Coding change: c.510C>T on transcript NM_015629.4 (MANE Select); coding-DNA position 510, C replaced by T.
Protein change: p.Thr170=; no amino-acid change (threonine 170 retained).
Molecular consequence: synonymous variant.
Genome position (GRCh38, 1-based): chr19:54,123,543, C>T. VCF-style: chr19-54123543-C-T. GRCh37 (hg19) VCF-style: chr19-54626922-C-T.
Identifiers: ClinVar variation 892667 (VCV000892667.15), dbSNP rs145699524, ClinGen allele CA309324733.